The following is an entry in ClinVar:

NM_153460.4(IL17RC):c.1298A>C (p.Glu433Ala)

Gene: IL17RC (interleukin 17 receptor C; plus strand). Cytogenetic location: 3p25.3.
Variant type: single nucleotide variant.
Coding change: c.1298A>C on transcript NM_153460.4 (MANE Select); coding-DNA position 1298, A replaced by C.
Protein change: p.Glu433Ala; replaces glutamic acid 433 with alanine.
Molecular consequence: missense variant. On other transcripts: non-coding transcript variant (1).
Genome position (GRCh38, 1-based): chr3:9,930,419, A>C. VCF-style: chr3-9930419-A-C. GRCh37 (hg19) VCF-style: chr3-9972103-A-C.
Other names: c.1298A>C, p.Glu433Ala (NM_001203263.2); c.1247A>C, p.Glu416Ala (NM_001203264.2); c.1202A>C, p.Glu401Ala (NM_001203265.2); c.1259A>C, p.Glu420Ala (NM_001367278.1); c.1178A>C, p.Glu393Ala (NM_001367279.1); c.1253A>C, p.Glu418Ala (NM_001367280.1, NM_032732.6); c.1511A>C, p.Glu504Ala (NM_153461.4); short protein forms E416A, E401A, E418A, E420A, E393A, E433A, E504A.
Identifiers: ClinVar variation 859922 (VCV000859922.8), dbSNP rs2084546493, ClinGen allele CA351700336.

ClinVar aggregate classification (germline): Uncertain significance (1 of 4 stars; one submission).

Conditions:
Candidiasis, familial, 9 (CANDF9). Identifiers: Orphanet 1334, MedGen C4225324, MONDO:0014642, OMIM 616445.

Submission:

Labcorp Genetics (formerly Invitae), Labcorp
Classification: Uncertain significance for Candidiasis, familial, 9. Last evaluated: 2019-12-19. Review status: criteria provided, single submitter. Criteria: Invitae Variant Classification Sherloc (09022015). Collection method: clinical testing. Allele origin: germline.
Comment: In summary, the available evidence is currently insufficient to determine the role of this variant in disease. Therefore, it has been classified as a Variant of Uncertain Significance. Algorithms developed to predict the effect of missense changes on protein structure and function are either unavailable or do not agree on the potential impact of this missense change (SIFT: "Deleterious"; PolyPhen-2: "Benign"; Align-GVGD: "Class C0"). This variant has not been reported in the literature in individuals with IL17RC-related conditions. This variant is not present in population databases (ExAC no frequency). This sequence change replaces glutamic acid with alanine at codon 504 of the IL17RC protein (p.Glu504Ala). The glutamic acid residue is moderately conserved and there is a moderate physicochemical difference between glutamic acid and alanine.